The following is an entry in ClinVar:

NM_021076.4(NEFH):c.2122G>T (p.Ala708Ser)

Gene: NEFH (neurofilament heavy chain; plus strand). Cytogenetic location: 22q12.2.
Variant type: single nucleotide variant.
Coding change: c.2122G>T on transcript NM_021076.4 (MANE Select); coding-DNA position 2122, G replaced by T.
Protein change: p.Ala708Ser; replaces alanine 708 with serine.
Molecular consequence: missense variant.
Genome position (GRCh38, 1-based): chr22:29,489,762, G>T. VCF-style: chr22-29489762-G-T. GRCh37 (hg19) VCF-style: chr22-29885751-G-T.
Other names: short protein forms A708S.
Identifiers: ClinVar variation 2178677 (VCV002178677.4), dbSNP rs749332478, ClinGen allele CA323088539.

ClinVar aggregate classification (germline): Uncertain significance (1 of 4 stars; one submission).

Allele frequency attached by ClinVar (database versions not stated): gnomAD exomes 0.00002.
gnomAD v4.1: 10 of 1,611,642 alleles (0.00062%); highest among the groups gnomAD compares: Non-Finnish European, 0.00085%; no homozygotes.

Submission:

Labcorp Genetics (formerly Invitae), Labcorp
Classification: Uncertain significance. Last evaluated: 2024-12-24. Review status: criteria provided, single submitter. Criteria: Invitae Variant Classification Sherloc (09022015). Collection method: clinical testing. Allele origin: germline.
Comment: This sequence change replaces alanine, which is neutral and non-polar, with serine, which is neutral and polar, at codon 708 of the NEFH protein (p.Ala708Ser). This variant is not present in population databases (gnomAD no frequency). This variant has not been reported in the literature in individuals affected with NEFH-related conditions. ClinVar contains an entry for this variant (Variation ID: 2178677). Invitae Evidence Modeling of protein sequence and biophysical properties (such as structural, functional, and spatial information, amino acid conservation, physicochemical variation, residue mobility, and thermodynamic stability) indicates that this missense variant is not expected to disrupt NEFH protein function with a negative predictive value of 95%. In summary, the available evidence is currently insufficient to determine the role of this variant in disease. Therefore, it has been classified as a Variant of Uncertain Significance.